The following is an entry in ClinVar:

ClinVar aggregate classification (germline): Conflicting classifications of pathogenicity. Review status: criteria provided, conflicting classifications (1 of 4 stars). 5 submissions from 5 submitters: Uncertain significance (4); Likely benign (1). Last evaluated 2026-08-24.

Conditions:
Hypertrophic cardiomyopathy 26. Also called: Cardiomyopathy, familial hypertrophic, 26. Identifiers: Orphanet 75249, MedGen C4310749, MONDO:0014883, OMIM 617047.
Distal myopathy with posterior leg and anterior hand involvement. Also called: WILLIAMS DISTAL MYOPATHY. Identifiers: Orphanet 63273, MedGen C3279722, MONDO:0013550, OMIM 614065.
Myofibrillar myopathy 5. Also called: Filaminopathy (type); FILAMINOPATHY, AUTOSOMAL DOMINANT. Identifiers: Orphanet 171445, MedGen C1836050, MONDO:0012289, OMIM 609524.
FLNC-related disorder. Also called: FLNC-related condition; FLNC-related disorders.
Cardiovascular phenotype. Identifiers: MedGen CN230736.

Allele frequency attached by ClinVar (database versions not stated): gnomAD 0.00001; TOPMed 0.00001.
gnomAD v4.1: 23 of 1,614,030 alleles (0.0014%); highest among the groups gnomAD compares: East Asian, 0.0022%; no homozygotes.

Submissions (5):

PreventionGenetics, part of Exact Sciences
Classification: Uncertain significance for FLNC-related condition. Last evaluated: 2026-08-24. Review status: criteria provided, single submitter. Criteria: ACMG Guidelines, 2015. Collection method: clinical testing. Allele origin: germline.
Comment: The FLNC c.2050G>A variant is predicted to result in the amino acid substitution p.Val684Met. To our knowledge, this variant has not been reported in the literature. This variant is reported in 0.0056% of alleles in individuals of East Asian descent in gnomAD. At this time, the clinical significance of this variant is uncertain due to the absence of conclusive functional and genetic evidence.

Labcorp Genetics (formerly Invitae), Labcorp
Classification: Likely benign for Distal myopathy with posterior leg and anterior hand involvement; Myofibrillar myopathy 5; Hypertrophic cardiomyopathy 26. Last evaluated: 2025-06-04. Review status: criteria provided, single submitter. Criteria: Invitae Variant Classification Sherloc (09022015). Collection method: clinical testing. Allele origin: germline.

Women's Health and Genetics/Laboratory Corporation of America, LabCorp
Classification: Uncertain significance. Last evaluated: 2024-10-06. Review status: criteria provided, single submitter. Criteria: LabCorp Variant Classification Summary - May 2015. Collection method: clinical testing. Allele origin: germline.

Ambry Genetics
Classification: Uncertain significance for Cardiovascular phenotype. Last evaluated: 2024-08-24. Review status: criteria provided, single submitter. Criteria: Ambry Variant Classification Scheme 2023. Collection method: clinical testing. Allele origin: germline.
Comment: The p.V684M variant (also known as c.2050G>A), located in coding exon 13 of the FLNC gene, results from a G to A substitution at nucleotide position 2050. The valine at codon 684 is replaced by methionine, an amino acid with highly similar properties. This amino acid position is conserved. In addition, the in silico prediction for this alteration is inconclusive. Based on the available evidence, the clinical significance of this variant remains unclear.

GeneDx
Classification: Uncertain significance. Last evaluated: 2018-10-25. Review status: criteria provided, single submitter. Criteria: GeneDx Variant Classification Process June 2021. Collection method: clinical testing. Allele origin: germline. Affected: yes.
Comment: Not observed at a significant frequency in large population cohorts (Lek et al., 2016); In silico analysis, which includes protein predictors and evolutionary conservation, supports that this variant does not alter protein structure/function; Has not been previously published as pathogenic or benign to our knowledge

NM_001458.5(FLNC):c.2050G>A (p.Val684Met)

Gene: FLNC (filamin C; plus strand). Cytogenetic location: 7q32.1.
Variant type: single nucleotide variant.
Coding change: c.2050G>A on transcript NM_001458.5 (MANE Select); coding-DNA position 2050, G replaced by A.
Protein change: p.Val684Met; replaces valine 684 with methionine.
Molecular consequence: missense variant.
Genome position (GRCh38, 1-based): chr7:128,841,496, G>A. VCF-style: chr7-128841496-G-A. GRCh37 (hg19) VCF-style: chr7-128481550-G-A.
Other names: c.2050G>A, p.Val684Met (NM_001127487.2); short protein forms V684M.
Identifiers: ClinVar variation 970551 (VCV000970551.14), dbSNP rs769221710, ClinGen allele CA4474574.
Genomic context (GRCh38, chr7:128,841,496, plus strand): 5'-CTTCTTCCCTCCGCACAGGTGAAGGCCTTTGGGCCTGGCCTGGAGCCTACCGGCTGCATC[G>A]TGGACAAGCCCGCTGAGTTCACCATTGATGCTCGTGCAGCTGGCAAGGGAGACCTGAAGC-3'
Protein context (NP_001449.3, residues 674-694): GPGLEPTGCI[Val684Met]DKPAEFTIDA